The following is an entry in ClinVar:

NM_003105.6(SORL1):c.2710C>T (p.Arg904Trp)

Gene: SORL1 (sortilin related receptor 1; plus strand). Cytogenetic location: 11q24.1.
Variant type: single nucleotide variant.
Coding change: c.2710C>T on transcript NM_003105.6 (MANE Select); coding-DNA position 2710, C replaced by T.
Protein change: p.Arg904Trp; replaces arginine 904 with tryptophan.
Molecular consequence: missense variant.
Genome position (GRCh38, 1-based): chr11:121,558,637, C>T. VCF-style: chr11-121558637-C-T. GRCh37 (hg19) VCF-style: chr11-121429346-C-T.
Other names: short protein forms R904W.
Identifiers: ClinVar variation 2414307 (VCV002414307.6), dbSNP rs148966249, ClinGen allele CA6329045.

ClinVar aggregate classification (germline): Uncertain significance (1 of 4 stars; one submission).

Allele frequency attached by ClinVar (database versions not stated): ExAC 0.00004; gnomAD 0.00004; gnomAD exomes 0.00004; TOPMed 0.00006; ESP Exome Variant Server 0.00008; 1000 Genomes Project 30x 0.00016; 1000 Genomes Project 0.00020.
gnomAD v4.1: 70 of 1,613,972 alleles (0.0043%); highest among the groups gnomAD compares: Admixed American, 0.012%; no homozygotes.

Submission:

Labcorp Genetics (formerly Invitae), Labcorp
Classification: Uncertain significance. Last evaluated: 2024-02-24. Review status: criteria provided, single submitter. Criteria: Invitae Variant Classification Sherloc (09022015). Collection method: clinical testing. Allele origin: germline.
Comment: This sequence change replaces arginine, which is basic and polar, with tryptophan, which is neutral and slightly polar, at codon 904 of the SORL1 protein (p.Arg904Trp). This variant is present in population databases (rs148966249, gnomAD 0.003%). This missense change has been observed in individual(s) with Alzheimer's disease (PMID: 35905044). ClinVar contains an entry for this variant (Variation ID: 2414307). An algorithm developed to predict the effect of missense changes on protein structure and function (PolyPhen-2) suggests that this variant is likely to be disruptive. In summary, the available evidence is currently insufficient to determine the role of this variant in disease. Therefore, it has been classified as a Variant of Uncertain Significance.

Literature cited by the submitters: PubMed 35905044.